The following is an entry in ClinVar:

ClinVar aggregate classification (germline): Benign/Likely benign. Review status: criteria provided, multiple submitters, no conflicts (2 of 4 stars). 4 submissions from 4 submitters: Benign (1); Likely benign (3). Last evaluated 2026-05-20.

Conditions:
Hereditary cancer-predisposing syndrome. Also called: Hereditary neoplastic syndrome; Neoplastic Syndromes, Hereditary; Hereditary Cancer Syndrome; Tumor predisposition. Identifiers: Orphanet 140162, MedGen C0027672, MeSH D009386, MONDO:0015356.
Cardiovascular phenotype. Identifiers: MedGen CN230736.
Neurofibromatosis, type 1 (NF1). Also called: Peripheral type neurofibromatosis; Neurofibromatosis, type I; VON RECKLINGHAUSEN DISEASE; NEUROFIBROMATOSIS, TYPE I, SOMATIC. Identifiers: Orphanet 636, MedGen C0027831, MONDO:0018975, OMIM 162200. Disease mechanism: loss of function.

gnomAD v4.1: 2 of 1,614,168 alleles (0.00012%); no homozygotes.

Submissions (4):

Myriad Genetics, Inc.
Classification: Benign for Neurofibromatosis, type 1. Last evaluated: 2026-05-20. Review status: criteria provided, single submitter. Criteria: Myriad Autosomal Dominant, Autosomal Recessive and X-Linked Classification Criteria (2023). Collection method: clinical testing. Allele origin: unknown.
Comment: This variant is considered benign. This variant is a silent/synonymous amino acid change and it is not expected to impact splicing.

Labcorp Genetics (formerly Invitae), Labcorp
Classification: Likely benign for Neurofibromatosis, type 1. Last evaluated: 2025-12-15. Review status: criteria provided, single submitter. Criteria: Invitae Variant Classification Sherloc (09022015). Collection method: clinical testing. Allele origin: germline.

Genome-Nilou Lab
Classification: Likely benign for Neurofibromatosis, type 1. Last evaluated: 2022-03-15. Review status: criteria provided, single submitter. Criteria: ACMG Guidelines, 2015. Collection method: clinical testing. Allele origin: germline. Affected: no.

Ambry Genetics
Classification: Likely benign for Cardiovascular phenotype; Hereditary cancer-predisposing syndrome. Last evaluated: 2017-07-11. Review status: criteria provided, single submitter. Criteria: Ambry Variant Classification Scheme 2023. Collection method: clinical testing. Allele origin: germline.

NM_001042492.3(NF1):c.3420A>G (p.Ser1140=)

Gene: NF1 (neurofibromin 1; plus strand). Cytogenetic location: 17q11.2.
Variant type: single nucleotide variant.
Coding change: c.3420A>G on transcript NM_001042492.3 (MANE Select); coding-DNA position 3420, A replaced by G.
Protein change: p.Ser1140=; no amino-acid change (serine 1140 retained).
Molecular consequence: synonymous variant.
Genome position (GRCh38, 1-based): chr17:31,232,805, A>G. VCF-style: chr17-31232805-A-G. GRCh37 (hg19) VCF-style: chr17-29559823-A-G.
Other names: c.3420A>G, p.Ser1140= (NM_000267.4).
Identifiers: ClinVar variation 457645 (VCV000457645.16), dbSNP rs1555614961, ClinGen allele CA499232370.